The following is an entry in ClinVar:

ClinVar aggregate classification (germline): Uncertain significance. Review status: criteria provided, multiple submitters, no conflicts (2 of 4 stars). 4 submissions from 4 submitters: Uncertain significance (2). 2 of the submissions do not count toward it. Last evaluated 2025-05-21.

Conditions:
Inborn genetic diseases. Identifiers: MedGen C0950123, MeSH D030342.
Cohen syndrome (COH1). Also called: PEPPER SYNDROME; Cutis verticis gyrata, retinitis pigmentosa, and sensorineural deafness. Identifiers: Orphanet 193, MedGen C0265223, MONDO:0008999, OMIM 216550.
VPS13B-related disorder. Also called: VPS13B-related condition.

Allele frequency attached by ClinVar (database versions not stated): gnomAD exomes 0.00001 and 0.00003; TOPMed 0.00002; gnomAD 0.00003.
gnomAD v4.1: 53 of 1,610,072 alleles (0.0033%); highest among the groups gnomAD compares: Non-Finnish European, 0.0042%; no homozygotes.

Submissions (4):

Ambry Genetics
Classification: Uncertain significance for Inborn genetic diseases. Last evaluated: 2025-05-21. Review status: criteria provided, single submitter. Criteria: Ambry Variant Classification Scheme 2023. Collection method: clinical testing. Allele origin: germline.

Labcorp Genetics (formerly Invitae), Labcorp
Classification: Uncertain significance for Cohen syndrome. Last evaluated: 2021-08-26. Review status: criteria provided, single submitter. Criteria: Invitae Variant Classification Sherloc (09022015). Collection method: clinical testing. Allele origin: germline.

PreventionGenetics, part of Exact Sciences
Classification: Uncertain significance for VPS13B-related condition. Last evaluated: 2024-02-16. Review status: no assertion criteria provided. Collection method: clinical testing. Allele origin: germline. Not counted in ClinVar's aggregate classification.
Comment: The VPS13B c.2687A>G variant is predicted to result in the amino acid substitution p.Gln896Arg. To our knowledge, this variant has not been reported in the literature. This variant is reported in 0.0023% of alleles in individuals of European (Non-Finnish) descent in gnomAD. At this time, the clinical significance of this variant is uncertain due to the absence of conclusive functional and genetic evidence.

Natera, Inc.
Classification: Uncertain significance for Cohen syndrome. Last evaluated: 2020-02-26. Review status: no assertion criteria provided. Collection method: clinical testing. Allele origin: germline. Not counted in ClinVar's aggregate classification.

NM_152564.5(VPS13B):c.2687A>G (p.Gln896Arg)

Gene: VPS13B (vacuolar protein sorting 13 homolog B; plus strand). Cytogenetic location: 8q22.2.
Variant type: single nucleotide variant.
Coding change: c.2687A>G on transcript NM_152564.5 (MANE Select); coding-DNA position 2687, A replaced by G.
Protein change: p.Gln896Arg; replaces glutamine 896 with arginine.
Molecular consequence: missense variant.
Genome position (GRCh38, 1-based): chr8:99,275,117, A>G. VCF-style: chr8-99275117-A-G. GRCh37 (hg19) VCF-style: chr8-100287345-A-G.
Other names: c.2687A>G, p.Gln896Arg (NM_017890.5); c.2687A>G (NM_017890.3, NM_152564.4); short protein forms Q896R.
Identifiers: ClinVar variation 657582 (VCV000657582.10), dbSNP rs1269673113, ClinGen allele CA371862464.